The following is an entry in ClinVar:

ClinVar aggregate classification (germline): Conflicting classifications of pathogenicity. Review status: criteria provided, conflicting classifications (1 of 4 stars). 8 submissions from 8 submitters: Uncertain significance (2); Likely benign (4). 2 of the submissions do not count toward it. Last evaluated 2026-01-22.

Conditions:
TTC19-related disorder. Also called: TTC19-related condition.
Inborn genetic diseases. Identifiers: MedGen C0950123, MeSH D030342.
Mitochondrial complex III deficiency nuclear type 2. Identifiers: MedGen C3554605, MONDO:0014063, OMIM 615157.

Allele frequency attached by ClinVar (database versions not stated): 1000 Genomes Project 30x 0.00031; 1000 Genomes Project 0.00040; gnomAD exomes 0.00164 and 0.00267; TOPMed 0.00187; ExAC 0.00190; gnomAD 0.00200 and 0.00202; ESP Exome Variant Server 0.00208.
gnomAD v4.1: 4,154 of 1,613,882 alleles (0.26%); highest among the groups gnomAD compares: Non-Finnish European, 0.33%; 6 homozygotes.

Submissions (8):

Labcorp Genetics (formerly Invitae), Labcorp
Classification: Likely benign. Last evaluated: 2026-01-22. Review status: criteria provided, single submitter. Criteria: Invitae Variant Classification Sherloc (09022015). Collection method: clinical testing. Allele origin: germline.

Mayo Clinic Laboratories, Mayo Clinic
Classification: Likely benign. Last evaluated: 2025-08-04. Review status: criteria provided, single submitter. Criteria: ACMG Guidelines, 2015. Collection method: clinical testing. Allele origin: germline. Observed: 7 variant alleles.
Comment: BS1

GeneDx
Classification: Uncertain significance. Last evaluated: 2025-05-15. Review status: criteria provided, single submitter. Criteria: GeneDx Variant Classification Process June 2021. Collection method: clinical testing. Allele origin: germline. Affected: yes.
Comment: In silico analysis supports that this missense variant has a deleterious effect on protein structure/function; Identified in a patient with Prader-Willi syndrome who was also found to have an imprinting center defect (PMID: 30793526); This variant is associated with the following publications: (PMID: 30793526)

Blueprint Genetics
Classification: Likely benign. Last evaluated: 2024-11-19. Review status: criteria provided, single submitter. Criteria: ACMG Guidelines, 2015. Collection method: clinical testing. Allele origin: germline.

Ambry Genetics
Classification: Likely benign for Inborn genetic diseases. Last evaluated: 2021-10-18. Review status: criteria provided, single submitter. Criteria: Ambry Variant Classification Scheme 2023. Collection method: clinical testing. Allele origin: germline.

Illumina Laboratory Services, Illumina
Classification: Uncertain significance for Mitochondrial complex III deficiency nuclear type 2. Last evaluated: 2018-01-13. Review status: criteria provided, single submitter. Criteria: ICSL Variant Classification Criteria 13 December 2019. Collection method: clinical testing. Allele origin: germline.

PreventionGenetics, part of Exact Sciences
Classification: Likely benign for TTC19-related condition. Last evaluated: 2022-08-30. Review status: no assertion criteria provided. Collection method: clinical testing. Allele origin: germline. Not counted in ClinVar's aggregate classification.
Comment: This variant is classified as likely benign based on ACMG/AMP sequence variant interpretation guidelines (Richards et al. 2015 PMID: 25741868, with internal and published modifications).

Department of Pathology and Laboratory Medicine, Sinai Health System
Classification: Uncertain significance. Review status: no assertion criteria provided. Collection method: clinical testing. Allele origin: unknown. Affected: yes. Study: The Canadian Open Genetics Repository (COGR). Not counted in ClinVar's aggregate classification.
Comment: The TTC19 p.Arg274Gly variant was not identified in the literature nor was it identified in Cosmic. The variant was identified in dbSNP (ID: rs147111211), LOVD 3.0 and in ClinVar (classified as a VUS by GeneDx). The variant was also identified in control databases in 475 of 281402 chromosomes (1 homozygous) at a frequency of 0.001688 increasing the likelihood this could be a low frequency benign variant (Genome Aggregation Database Feb 27, 2017). The variant was observed in the following populations: European (non-Finnish) in 398 of 128348 chromosomes (freq: 0.003101), Other in 9 of 7176 chromosomes (freq: 0.001254), Latino in 34 of 35340 chromosomes (freq: 0.000962), European (Finnish) in 19 of 25084 chromosomes (freq: 0.000758), African in 13 of 24780 chromosomes (freq: 0.000525) and South Asian in 2 of 30542 chromosomes (freq: 0.000065); it was not observed in the Ashkenazi Jewish and East Asian populations. The p.Arg274 residue is conserved in mammals but not in more distantly related organisms and computational analyses (PolyPhen-2, SIFT, AlignGVGD, BLOSUM, MutationTaster) provide inconsistent predictions regarding the impact to the protein; this information is not very predictive of pathogenicity. The variant occurs outside of the splicing consensus sequence and in silico or computational prediction software programs (SpliceSiteFinder, MaxEntScan, NNSPLICE, GeneSplicer) do not predict a difference in splicing. In summary, based on the above information the clinical significance of this variant cannot be determined with certainty at this time. This variant is classified as a variant of uncertain significance.

Literature cited by the submitters: PubMed 30793526 (cited by Mayo Clinic Laboratories, Mayo Clinic).

NM_017775.4(TTC19):c.820A>G (p.Arg274Gly)

Gene: TTC19 (tetratricopeptide repeat domain 19; plus strand). Cytogenetic location: 17p12.
Variant type: single nucleotide variant.
Coding change: c.820A>G on transcript NM_017775.4 (MANE Select); coding-DNA position 820, A replaced by G.
Protein change: p.Arg274Gly; replaces arginine 274 with glycine.
Molecular consequence: missense variant.
Genome position (GRCh38, 1-based): chr17:16,025,160, A>G. VCF-style: chr17-16025160-A-G. GRCh37 (hg19) VCF-style: chr17-15928474-A-G.
Other names: p.R274G:AGA>GGA; p.Arg274Gly; c.1183A>G (NM_017775.2); c.499A>G, p.Arg167Gly (NM_001271420.2); short protein forms R274G, R167G.
Identifiers: ClinVar variation 215304 (VCV000215304.24), dbSNP rs147111211, ClinGen allele CA324524.
Genomic context (GRCh38, chr17:16,025,160, plus strand): 5'-TCACAGGCACAAAGGATGTATGAAAAAGCTCTGCAGATTTCTGAAGAAATACAAGGAGAA[A>G]GACACCCACAGGTAAGGGAGGAAAACACAGAAGGGGGAATATAAAACAAAGGCTTCAAAA-3'
Protein context (NP_060245.3, residues 264-284): LQISEEIQGE[Arg274Gly]HPQTIVLMSD